The following is an entry in ClinVar:

NM_004281.4(BAG3):c.244G>A (p.Gly82Ser)

Gene: BAG3 (BAG cochaperone 3; plus strand). Cytogenetic location: 10q26.11.
Variant type: single nucleotide variant.
Coding change: c.244G>A on transcript NM_004281.4 (MANE Select); coding-DNA position 244, G replaced by A.
Protein change: p.Gly82Ser; replaces glycine 82 with serine.
Molecular consequence: missense variant.
Genome position (GRCh38, 1-based): chr10:119,669,914, G>A. VCF-style: chr10-119669914-G-A. GRCh37 (hg19) VCF-style: chr10-121429426-G-A.
Other names: short protein forms G82S.
Identifiers: ClinVar variation 4782647 (VCV004782647.1).

ClinVar aggregate classification (germline): Uncertain significance (1 of 4 stars; one submission).

Conditions:
Dilated cardiomyopathy 1HH (CMD1HH). Identifiers: Orphanet 154, MedGen C3151293, MONDO:0013479, OMIM 613881.
Myofibrillar myopathy 6. Identifiers: Orphanet 199340, MedGen C2751831, MONDO:0013061, OMIM 612954.

gnomAD v4.1: 1 of 1,614,218 alleles (0.000062%); highest among the groups gnomAD compares: South Asian, 0.0011%; no homozygotes.

Submission:

Labcorp Genetics (formerly Invitae), Labcorp
Classification: Uncertain significance for Dilated cardiomyopathy 1HH; Myofibrillar myopathy 6. Last evaluated: 2026-01-13. Review status: criteria provided, single submitter. Criteria: Invitae Variant Classification Sherloc (09022015). Collection method: clinical testing. Allele origin: germline.
Comment: This sequence change replaces glycine, which is neutral and non-polar, with serine, which is neutral and polar, at codon 82 of the BAG3 protein (p.Gly82Ser). This variant is not present in population databases (gnomAD no frequency). This variant has not been reported in the literature in individuals affected with BAG3-related conditions. Invitae Evidence Modeling of protein sequence and biophysical properties (such as structural, functional, and spatial information, amino acid conservation, physicochemical variation, residue mobility, and thermodynamic stability) indicates that this missense variant is not expected to disrupt BAG3 protein function with a negative predictive value of 80%. In summary, the available evidence is currently insufficient to determine the role of this variant in disease. Therefore, it has been classified as a Variant of Uncertain Significance.